The following is an entry in ClinVar:

NM_000079.4(CHRNA1):c.181A>C (p.Ile61Leu)

Gene: CHRNA1 (cholinergic receptor nicotinic alpha 1 subunit; minus strand). Cytogenetic location: 2q31.1.
Variant type: single nucleotide variant.
Coding change: c.181A>C on transcript NM_000079.4 (MANE Select); coding-DNA position 181, A replaced by C.
Protein change: p.Ile61Leu; replaces isoleucine 61 with leucine.
Molecular consequence: missense variant.
Genome position (GRCh38, 1-based): chr2:174,759,496, T>G on the plus strand (A>C on the coding strand, the complement: CHRNA1 is on the minus strand). VCF-style: chr2-174759496-T-G. GRCh37 (hg19) VCF-style: chr2-175624224-T-G.
Other names: c.181A>C, p.Ile61Leu (NM_001039523.3); short protein forms I61L.
Identifiers: ClinVar variation 646109 (VCV000646109.8), dbSNP rs1574011516, ClinGen allele CA349344279.
Genomic context (GRCh38, chr2:174,759,496, plus strand): 5'-CAGGGGTGAGAGGTGTGGGTGTGTGGGCAGGCCCCCAGTGCTCTTGTCTCACCACATTGA[T>G]GAGCTGTATCAGCTGCAGGCCCACGGTGACCTCCACGACCTGGCGGTGGTCTTCCACTGG-3'
Protein context (NP_000070.1, residues 51-71): VTVGLQLIQL[Ile61Leu]NVDEVNQIVT

ClinVar aggregate classification (germline): Uncertain significance (1 of 4 stars; one submission).

Conditions:
Lethal multiple pterygium syndrome (LMPS). Identifiers: Orphanet 33108, MedGen C1854678, MONDO:0009668, OMIM 253290.

Submission:

Labcorp Genetics (formerly Invitae), Labcorp
Classification: Uncertain significance for Lethal multiple pterygium syndrome. Last evaluated: 2022-03-18. Review status: criteria provided, single submitter. Criteria: Invitae Variant Classification Sherloc (09022015). Collection method: clinical testing. Allele origin: germline.
Comment: ClinVar contains an entry for this variant (Variation ID: 646109). In summary, the available evidence is currently insufficient to determine the role of this variant in disease. Therefore, it has been classified as a Variant of Uncertain Significance. Advanced modeling of protein sequence and biophysical properties (such as structural, functional, and spatial information, amino acid conservation, physicochemical variation, residue mobility, and thermodynamic stability) performed at Invitae indicates that this missense variant is not expected to disrupt CHRNA1 protein function. This variant has not been reported in the literature in individuals affected with CHRNA1-related conditions. This variant is not present in population databases (gnomAD no frequency). This sequence change replaces isoleucine, which is neutral and non-polar, with leucine, which is neutral and non-polar, at codon 61 of the CHRNA1 protein (p.Ile61Leu).